The following is an entry in ClinVar:

NM_000062.3(SERPING1):c.465C>T (p.His155=)

Gene: SERPING1 (serpin family G member 1; plus strand). Cytogenetic location: 11q12.1.
Variant type: single nucleotide variant.
Coding change: c.465C>T on transcript NM_000062.3 (MANE Select); coding-DNA position 465, C replaced by T.
Protein change: p.His155=; no amino-acid change (histidine 155 retained).
Molecular consequence: synonymous variant.
Genome position (GRCh38, 1-based): chr11:57,600,292, C>T. VCF-style: chr11-57600292-C-T. GRCh37 (hg19) VCF-style: chr11-57367765-C-T.
Other names: c.465C>T, p.His155= (NM_001032295.2).
Identifiers: ClinVar variation 305023 (VCV000305023.17), dbSNP rs201627388, ClinGen allele CA6008040.

ClinVar aggregate classification (germline): Benign/Likely benign. Review status: criteria provided, multiple submitters, no conflicts (2 of 4 stars). 5 submissions from 5 submitters: Benign (1); Likely benign (4). Last evaluated 2026-04-06.

Conditions:
Hereditary angioedema type 1 (HAE1). Identifiers: Orphanet 100050, Orphanet 100051, Orphanet 91378, MedGen C2717906, MONDO:0015053, OMIM 106100.
Inborn genetic diseases. Identifiers: MedGen C0950123, MeSH D030342.

Allele frequency attached by ClinVar (database versions not stated): ExAC 0.00016; gnomAD exomes 0.00021 and 0.00032; ESP Exome Variant Server 0.00023; gnomAD 0.00048 and 0.00049; TOPMed 0.00059.
gnomAD v4.1: 382 of 1,613,902 alleles (0.024%); highest among the groups gnomAD compares: Middle Eastern, 0.17%; 1 homozygote.

Submissions (5):

Women's Health and Genetics/Laboratory Corporation of America, LabCorp
Classification: Likely benign. Last evaluated: 2026-04-06. Review status: criteria provided, single submitter. Criteria: LabCorp Variant Classification Summary - May 2015. Collection method: clinical testing. Allele origin: germline.

Labcorp Genetics (formerly Invitae), Labcorp
Classification: Benign. Last evaluated: 2026-01-15. Review status: criteria provided, single submitter. Criteria: Invitae Variant Classification Sherloc (09022015). Collection method: clinical testing. Allele origin: germline.

Blueprint Genetics
Classification: Likely benign. Last evaluated: 2024-09-11. Review status: criteria provided, single submitter. Criteria: ACMG Guidelines, 2015. Collection method: clinical testing. Allele origin: germline.

Ambry Genetics
Classification: Likely benign for Inborn genetic diseases. Last evaluated: 2023-04-05. Review status: criteria provided, single submitter. Criteria: Ambry Variant Classification Scheme 2023. Collection method: clinical testing. Allele origin: germline.

Illumina Laboratory Services, Illumina
Classification: Likely benign for Hereditary angioedema type 1. Last evaluated: 2018-01-13. Review status: criteria provided, single submitter. Criteria: ICSL Variant Classification Criteria 13 December 2019. Collection method: clinical testing. Allele origin: germline.
Comment: This variant was observed in the ICSL laboratory as part of a predisposition screen in an ostensibly healthy population. It had not been previously curated by ICSL or reported in the Human Gene Mutation Database (HGMD: prior to June 1st, 2018), and was therefore a candidate for classification through an automated scoring system. Utilizing variant allele frequency, disease prevalence and penetrance estimates, and inheritance mode, an automated score was calculated to assess if this variant is too frequent to cause the disease. Based on the score and internal cut-off values, a variant classified as likely benign is not then subjected to further curation. The score for this variant resulted in a classification of likely benign for this disease.